The following is an entry in ClinVar:

ClinVar aggregate classification (germline): Pathogenic. Review status: criteria provided, multiple submitters, no conflicts (2 of 4 stars). 2 submissions from 2 submitters: Pathogenic (2). Last evaluated 2025-09-01.

Conditions:
Gorlin syndrome. Also called: Nevoid Basal Cell Carcinoma Syndrome; Basal cell nevus syndrome. Identifiers: Orphanet 377, MedGen C0004779, MONDO:0007187.

Submissions (2):

CeGaT Center for Human Genetics Tuebingen
Classification: Pathogenic. Last evaluated: 2025-09-01. Review status: criteria provided, single submitter. Criteria: CeGaT Center For Human Genetics Tuebingen Variant Classification Criteria Version 2. Collection method: clinical testing. Allele origin: germline. Affected: yes. Observed: 1 variant allele.
Comment: PTCH1: PVS1, PM2, PS4:Supporting

Labcorp Genetics (formerly Invitae), Labcorp
Classification: Pathogenic for Gorlin syndrome. Last evaluated: 2021-12-26. Review status: criteria provided, single submitter. Criteria: Invitae Variant Classification Sherloc (09022015). Collection method: clinical testing. Allele origin: germline.
Comment: For these reasons, this variant has been classified as Pathogenic. This premature translational stop signal has been observed in individual(s) with Gorlin syndrome (PMID: 25727044). It has also been observed to segregate with disease in related individuals. This variant is not present in population databases (gnomAD no frequency). This sequence change creates a premature translational stop signal (p.Ser383*) in the PTCH1 gene. It is expected to result in an absent or disrupted protein product. Loss-of-function variants in PTCH1 are known to be pathogenic (PMID: 16301862, 16419085).

Literature cited by the submitters: PubMed 25727044 (cited by Labcorp Genetics (formerly Invitae), Labcorp); PubMed 16301862 (cited by Labcorp Genetics (formerly Invitae), Labcorp); PubMed 16419085 (cited by Labcorp Genetics (formerly Invitae), Labcorp).

NM_000264.5(PTCH1):c.1148C>A (p.Ser383Ter)

Gene: PTCH1 (patched 1; minus strand). Cytogenetic location: 9q22.32.
Variant type: single nucleotide variant.
Coding change: c.1148C>A on transcript NM_000264.5 (MANE Select); coding-DNA position 1148, C replaced by A.
Protein change: p.Ser383Ter; replaces serine 383 with a stop codon.
Molecular consequence: nonsense. On other transcripts: non-coding transcript variant (1).
Genome position (GRCh38, 1-based): chr9:95,479,067, G>T on the plus strand (C>A on the coding strand, the complement: PTCH1 is on the minus strand). VCF-style: chr9-95479067-G-T. GRCh37 (hg19) VCF-style: chr9-98241349-G-T.
Other names: c.950C>A, p.Ser317Ter (NM_001083602.3); c.1145C>A, p.Ser382Ter (NM_001083603.3); c.695C>A, p.Ser232Ter (NM_001083604.3, NM_001083605.3, NM_001083606.3 and 1 more transcripts); c.1148C>A, p.Ser383Ter (NM_001354918.2); short protein forms S317*, S382*, S383*, S232*.
Identifiers: ClinVar variation 2136793 (VCV002136793.11), dbSNP rs2538217131, ClinGen allele CA374119355.